The following is an entry in ClinVar:

ClinVar aggregate classification (germline): Likely benign. Review status: criteria provided, multiple submitters, no conflicts (2 of 4 stars). 2 submissions from 2 submitters: Likely benign (2). Last evaluated 2026-01-13.

Conditions:
Spastic paraplegia. Identifiers: MedGen C0037772, HP:0001258.
CYP7B1-related disorder. Also called: CYP7B1-related condition.

Allele frequency attached by ClinVar (database versions not stated): TOPMed 0.00002; gnomAD 0.00005.
gnomAD v4.1: 79 of 1,512,854 alleles (0.0052%); highest among the groups gnomAD compares: African/African-American, 0.0072%; no homozygotes.

Submissions (2):

Labcorp Genetics (formerly Invitae), Labcorp
Classification: Likely benign for Spastic paraplegia. Last evaluated: 2026-01-13. Review status: criteria provided, single submitter. Criteria: Invitae Variant Classification Sherloc (09022015). Collection method: clinical testing. Allele origin: germline.

PreventionGenetics, part of Exact Sciences
Classification: Likely benign for CYP7B1-related condition. Last evaluated: 2025-12-03. Review status: criteria provided, single submitter. Criteria: ACMG Guidelines, 2015. Collection method: clinical testing. Allele origin: germline.
Comment: This variant is classified as likely benign based on ACMG/AMP sequence variant interpretation guidelines (Richards et al. 2015 PMID: 25741868, with internal and published modifications).

NM_004820.5(CYP7B1):c.111C>G (p.Val37=)

Gene: CYP7B1 (cytochrome P450 family 7 subfamily B member 1; minus strand). Cytogenetic location: 8q12.3.
Variant type: single nucleotide variant.
Coding change: c.111C>G on transcript NM_004820.5 (MANE Select); coding-DNA position 111, C replaced by G.
Protein change: p.Val37=; no amino-acid change (valine 37 retained).
Molecular consequence: synonymous variant.
Genome position (GRCh38, 1-based): chr8:64,798,477, G>C on the plus strand (C>G on the coding strand, the complement: CYP7B1 is on the minus strand). VCF-style: chr8-64798477-G-C. GRCh37 (hg19) VCF-style: chr8-65711034-G-C.
Other names: c.111C>G, p.Val37= (NM_001324112.2); c.111C>G (NM_004820.4).
Identifiers: ClinVar variation 2891703 (VCV002891703.4), dbSNP rs1373197517, ClinGen allele CA461271125.